The following is an entry in ClinVar:

NM_001367624.2(ZNF469):c.2702T>C (p.Leu901Pro)

Gene: ZNF469 (zinc finger protein 469; plus strand). Cytogenetic location: 16q24.2.
Variant type: single nucleotide variant.
Coding change: c.2702T>C on transcript NM_001367624.2 (MANE Select); coding-DNA position 2702, T replaced by C.
Protein change: p.Leu901Pro; replaces leucine 901 with proline.
Molecular consequence: missense variant.
Genome position (GRCh38, 1-based): chr16:88,430,172, T>C. VCF-style: chr16-88430172-T-C. GRCh37 (hg19) VCF-style: chr16-88496580-T-C.
Other names: NM_001127464.1:c.2702T>C; short protein forms L901P.
Identifiers: ClinVar variation 3987331 (VCV003987331.1).

ClinVar aggregate classification (germline): Uncertain significance (1 of 4 stars; one submission).

Conditions:
Cardiovascular phenotype. Identifiers: MedGen CN230736.

Submission:

Ambry Genetics
Classification: Uncertain significance for Cardiovascular phenotype. Last evaluated: 2025-04-24. Review status: criteria provided, single submitter. Criteria: Ambry Variant Classification Scheme 2023. Collection method: clinical testing. Allele origin: germline.
Comment: The p.L901P variant (also known as c.2702T>C), located in coding exon 1 of the ZNF469 gene, results from a T to C substitution at nucleotide position 2702. The leucine at codon 901 is replaced by proline, an amino acid with similar properties. This amino acid position is conserved. In addition, this alteration is predicted to be tolerated by in silico analysis. Based on the available evidence, the clinical significance of this variant remains unclear.